The following is an entry in ClinVar:

NM_004963.4(GUCY2C):c.3023del (p.Phe1008fs)

Genes: GUCY2C (guanylate cyclase 2C; minus strand), PLBD1-AS1 (PLBD1 antisense RNA 1; plus strand), LOC130007489 (ATAC-STARR-seq lymphoblastoid silent region 4275; plus strand). Cytogenetic location: 12p12.3.
Variant type: Deletion.
Coding change: c.3023del on transcript NM_004963.4 (MANE Select); coding-DNA position 3023, one base deleted (T; older notation c.3023delT).
Protein change: p.Phe1008fs; shifts the reading frame from phenylalanine 1008.
Molecular consequence: frameshift variant.
Genome position (GRCh38, 1-based): chr12:14,614,891, A deleted on the plus strand (T on the coding strand, the reverse complement: GUCY2C is on the minus strand); the first of 2 consecutive A bases (chr12:14,614,891-14,614,892); deleting either gives the same sequence. VCF-style (leftmost placement, unchanged base first): chr12-14614890-GA-G. GRCh37 (hg19) VCF-style: chr12-14767824-GA-G.
Other names: short protein forms F1008fs.
Identifiers: ClinVar variation 2830500 (VCV002830500.3), dbSNP rs1946724815, ClinGen allele CA945020982.

ClinVar aggregate classification (germline): Uncertain significance (1 of 4 stars; one submission).

Submission:

Labcorp Genetics (formerly Invitae), Labcorp
Classification: Uncertain significance. Last evaluated: 2023-04-11. Review status: criteria provided, single submitter. Criteria: Invitae Variant Classification Sherloc (09022015). Collection method: clinical testing. Allele origin: germline.
Comment: Experimental studies and prediction algorithms are not available or were not evaluated, and the functional significance of this variant is currently unknown. This sequence change creates a premature translational stop signal (p.Phe1008Serfs*22) in the GUCY2C gene. While this is not anticipated to result in nonsense mediated decay, it is expected to disrupt the last 66 amino acid(s) of the GUCY2C protein. This variant is not present in population databases (gnomAD no frequency). This variant has not been reported in the literature in individuals affected with GUCY2C-related conditions. In summary, the available evidence is currently insufficient to determine the role of this variant in disease. Therefore, it has been classified as a Variant of Uncertain Significance.